The following is an entry in ClinVar:

NM_015488.5(PNKD):c.500C>T (p.Ala167Val)

Genes: CATIP-AS2 (CATIP antisense RNA 2; minus strand), PNKD (PNKD metallo-beta-lactamase domain containing; plus strand). Cytogenetic location: 2q35.
Variant type: single nucleotide variant.
Coding change: c.500C>T on transcript NM_015488.5 (MANE Select); coding-DNA position 500, C replaced by T.
Protein change: p.Ala167Val; replaces alanine 167 with valine.
Molecular consequence: missense variant.
Genome position (GRCh38, 1-based): chr2:218,340,762, C>T. VCF-style: chr2-218340762-C-T. GRCh37 (hg19) VCF-style: chr2-219205485-C-T.
Other names: c.428C>T, p.Ala143Val (NM_022572.5); short protein forms A143V, A167V.
Identifiers: ClinVar variation 1463781 (VCV001463781.6), dbSNP rs2106294018, ClinGen allele CA350540011.
Genomic context (GRCh38, chr2:218,340,762, plus strand): 5'-GTCTCCAAACCTCCTCTCTCTCGCAGGCTTCCATTGAAAAGGAAGGGGTCACCTTGGTCG[C>T]CATTCTGTGTACTCACAAGCACTGGTAAGGGGCTCCCGTCTTCCCTGGCCCACCCTTGTC-3'
Protein context (NP_056303.3, residues 157-177): SIEKEGVTLV[Ala167Val]ILCTHKHWDH

ClinVar aggregate classification (germline): Uncertain significance (1 of 4 stars; one submission).

Conditions:
Paroxysmal nonkinesigenic dyskinesia. Also called: Paroxysmal non-kinesigenic dyskinesia. Identifiers: Orphanet 98810, MedGen C1869117, MONDO:0700088.

Submission:

Labcorp Genetics (formerly Invitae), Labcorp
Classification: Uncertain significance for Paroxysmal nonkinesigenic dyskinesia. Last evaluated: 2021-10-10. Review status: criteria provided, single submitter. Criteria: Invitae Variant Classification Sherloc (09022015). Collection method: clinical testing. Allele origin: germline.
Comment: In summary, the available evidence is currently insufficient to determine the role of this variant in disease. Therefore, it has been classified as a Variant of Uncertain Significance. Algorithms developed to predict the effect of missense changes on protein structure and function (SIFT, PolyPhen-2, Align-GVGD) all suggest that this variant is likely to be disruptive. This variant has not been reported in the literature in individuals affected with PNKD-related conditions. This variant is not present in population databases (ExAC no frequency). This sequence change replaces alanine with valine at codon 167 of the PNKD protein (p.Ala167Val). The alanine residue is highly conserved and there is a small physicochemical difference between alanine and valine.